The following is an entry in ClinVar:

ClinVar aggregate classification (germline): Uncertain significance (1 of 4 stars; one submission).

Conditions:
Autosomal dominant limb-girdle muscular dystrophy type 1G (LGMDD3). Also called: Limb-girdle muscular dystrophy, type 1G; MUSCULAR DYSTROPHY, LIMB-GIRDLE, AUTOSOMAL DOMINANT 3. Identifiers: Orphanet 55596, MedGen C1836765, MONDO:0012193, OMIM 609115.

Allele frequency attached by ClinVar (database versions not stated): gnomAD exomes below 0.00001; TOPMed below 0.00001.
gnomAD v4.1: 1 of 1,356,966 alleles (0.000074%); highest among the groups gnomAD compares: Non-Finnish European, 0.000095%; no homozygotes.

Submission:

Labcorp Genetics (formerly Invitae), Labcorp
Classification: Uncertain significance for Autosomal dominant limb-girdle muscular dystrophy type 1G. Last evaluated: 2020-04-03. Review status: criteria provided, single submitter. Criteria: Invitae Variant Classification Sherloc (09022015). Collection method: clinical testing. Allele origin: germline.
Comment: This sequence change replaces serine with alanine at codon 24 of the HNRNPDL protein (p.Ser24Ala). The serine residue is moderately conserved and there is a moderate physicochemical difference between serine and alanine. The frequency data for this variant in the population databases is considered unreliable, as metrics indicate insufficient coverage at this position in the ExAC database. This variant has not been reported in the literature in individuals with HNRNPDL-related conditions. Algorithms developed to predict the effect of missense changes on protein structure and function are either unavailable or do not agree on the potential impact of this missense change (SIFT: "Deleterious"; PolyPhen-2: "Benign"; Align-GVGD: "Class C0"). In summary, the available evidence is currently insufficient to determine the role of this variant in disease. Therefore, it has been classified as a Variant of Uncertain Significance.

NM_031372.4(HNRNPDL):c.70T>G (p.Ser24Ala)

Gene: HNRNPDL (heterogeneous nuclear ribonucleoprotein D like; minus strand). Cytogenetic location: 4q21.22.
Variant type: single nucleotide variant.
Coding change: c.70T>G on transcript NM_031372.4 (MANE Select); coding-DNA position 70, T replaced by G.
Protein change: p.Ser24Ala; replaces serine 24 with alanine.
Molecular consequence: missense variant. On other transcripts: non-coding transcript variant (1).
Genome position (GRCh38, 1-based): chr4:82,429,621, A>C on the plus strand (T>G on the coding strand, the complement: HNRNPDL is on the minus strand). VCF-style: chr4-82429621-A-C. GRCh37 (hg19) VCF-style: chr4-83350774-A-C.
Other names: c.70T>G, p.Ser24Ala (NM_001207000.1); short protein forms S24A.
Identifiers: ClinVar variation 1034574 (VCV001034574.9), dbSNP rs1721625263, ClinGen allele CA357173836.
Genomic context (GRCh38, chr4:82,429,621, plus strand): 5'-AAGGGAGGAGCGGGGCTAGCTGCCGCGGCGGCCGCGGCCGCCAATGGGAGAGGCTGCGGG[A>C]GGCTAAAGTAGCGGGAGCGGAGGGGAACAATGGCGGCGGCACATGGGAAAGCCTGGGCGG-3'
Protein context (NP_112740.1, residues 14-34): LFPSAPATLA[Ser24Ala]RSLSHWRPRP